The following is an entry in ClinVar:

ClinVar aggregate classification (germline): Uncertain significance (1 of 4 stars; one submission).

Submission:

GeneDx
Classification: Uncertain significance. Last evaluated: 2024-01-14. Review status: criteria provided, single submitter. Criteria: GeneDx Variant Classification Process June 2021. Collection method: clinical testing. Allele origin: germline. Affected: yes.
Comment: In silico analysis supports that this missense variant has a deleterious effect on protein structure/function; Has not been previously published as pathogenic or benign to our knowledge

NM_018896.5(CACNA1G):c.7126G>T (p.Asp2376Tyr)

Gene: CACNA1G (calcium voltage-gated channel subunit alpha1 G; plus strand). Cytogenetic location: 17q21.33.
Variant type: single nucleotide variant.
Coding change: c.7126G>T on transcript NM_018896.5 (MANE Select); coding-DNA position 7126, G replaced by T.
Protein change: p.Asp2376Tyr; replaces aspartic acid 2376 with tyrosine.
Molecular consequence: missense variant. On other transcripts: non-coding transcript variant (5).
Genome position (GRCh38, 1-based): chr17:50,626,743, G>T. VCF-style: chr17-50626743-G-T. GRCh37 (hg19) VCF-style: chr17-48704104-G-T.
Other names: c.6937G>T, p.Asp2313Tyr (NM_001256324.2); c.6868G>T, p.Asp2290Tyr (NM_001256325.2); c.6856G>T, p.Asp2286Tyr (NM_001256326.2); c.6826G>T, p.Asp2276Tyr (NM_001256327.2); c.6772G>T, p.Asp2258Tyr (NM_001256328.2); c.6745G>T, p.Asp2249Tyr (NM_001256329.2, NM_198387.3); c.6712G>T, p.Asp2238Tyr (NM_001256330.2); c.6691G>T, p.Asp2231Tyr (NM_001256331.2); and 18 more; short protein forms D2170Y, D2193Y, D2204Y, D2226Y, D2231Y, D2238Y, D2242Y, D2245Y.
Identifiers: ClinVar variation 3367900 (VCV003367900.1).
Genomic context (GRCh38, chr17:50,626,743, plus strand): 5'-CCCTCCCCAAAGAAAGATGTGCTGAGTCTCTCCGGTTTATCCTCTGACCCAGCAGACCTG[G>T]ACCCCTGAGTCCTGCCCCACTTTCCCACTCACCTTTCTCCACTGGGTGCCAAGTCCTAGC-3'
Protein context (NP_061496.2, residues 2366-2377): SGLSSDPADL[Asp2376Tyr]P